The following is an entry in ClinVar:

NM_001164508.2(NEB):c.9836A>G (p.Lys3279Arg)

Gene: NEB (nebulin; minus strand). Cytogenetic location: 2q23.3.
Variant type: single nucleotide variant.
Coding change: c.9836A>G on transcript NM_001164508.2 (MANE Select); coding-DNA position 9836, A replaced by G.
Protein change: p.Lys3279Arg; replaces lysine 3279 with arginine.
Molecular consequence: missense variant.
Genome position (GRCh38, 1-based): chr2:151,627,830, T>C on the plus strand (A>G on the coding strand, the complement: NEB is on the minus strand). VCF-style: chr2-151627830-T-C. GRCh37 (hg19) VCF-style: chr2-152484344-T-C.
Other names: c.9836A>G, p.Lys3279Arg (NM_001164507.2, NM_001271208.2); c.9107A>G, p.Lys3036Arg (NM_004543.5); short protein forms K3279R, K3036R.
Identifiers: ClinVar variation 864328 (VCV000864328.11), dbSNP rs772766917, ClinGen allele CA1909181.

ClinVar aggregate classification (germline): Uncertain significance. Review status: criteria provided, multiple submitters, no conflicts (2 of 4 stars). 2 submissions from 2 submitters: Uncertain significance (2). Last evaluated 2019-04-11.

Conditions:
Nemaline myopathy 2 (NEM2). Also called: Nemaline myopathy 2, autosomal recessive. Identifiers: MedGen C1850569, MONDO:0009725, OMIM 256030.

Allele frequency attached by ClinVar (database versions not stated): gnomAD exomes below 0.00001 and 0.00001; ExAC 0.00001.
gnomAD v4.1: 8 of 1,613,316 alleles (0.0005%); highest among the groups gnomAD compares: Non-Finnish European, 0.00068%; no homozygotes.

Submissions (2):

Labcorp Genetics (formerly Invitae), Labcorp
Classification: Uncertain significance for Nemaline myopathy 2. Last evaluated: 2019-04-11. Review status: criteria provided, single submitter. Criteria: Invitae Variant Classification Sherloc (09022015). Collection method: clinical testing. Allele origin: germline.
Comment: Algorithms developed to predict the effect of missense changes on protein structure and function are either unavailable or do not agree on the potential impact of this missense change (SIFT: "Deleterious"; PolyPhen-2: "Not Available"; Align-GVGD: "Class C0"). This variant has not been reported in the literature in individuals with NEB-related conditions. This variant is present in population databases (rs772766917, ExAC 0.002%). This sequence change replaces lysine with arginine at codon 3279 of the NEB protein (p.Lys3279Arg). The lysine residue is moderately conserved and there is a small physicochemical difference between lysine and arginine. Algorithms developed to predict the effect of sequence changes on RNA splicing suggest that this variant may create or strengthen a splice site, but this prediction has not been confirmed by published transcriptional studies. In summary, the available evidence is currently insufficient to determine the role of this variant in disease. Therefore, it has been classified as a Variant of Uncertain Significance.

Revvity Omics, Revvity
Classification: Uncertain significance. Last evaluated: 2019-04-05. Review status: criteria provided, single submitter. Criteria: ACMG Guidelines, 2015. Collection method: clinical testing. Allele origin: germline.